The following is an entry in ClinVar:

ClinVar aggregate classification (germline): Uncertain significance. Review status: criteria provided, multiple submitters, no conflicts (2 of 4 stars). 4 submissions from 4 submitters: Uncertain significance (4). Last evaluated 2025-12-05.

Conditions:
Microcephaly, normal intelligence and immunodeficiency (NBS). Also called: Nijmegen breakage syndrome; Ataxia telangiectasia variant V1; IMMUNODEFICIENCY, MICROCEPHALY, AND CHROMOSOMAL INSTABILITY; Microcephaly with normal intelligence immunodeficiency and lymphoreticular malignancies; Nonsyndromal microcephaly autosomal recessive with normal intelligence; Seemanova syndrome 2. Identifiers: Orphanet 647, MedGen C0398791, MONDO:0009623, OMIM 251260.
Hereditary cancer-predisposing syndrome. Also called: Hereditary Cancer Syndrome; Hereditary neoplastic syndrome; Tumor predisposition; Neoplastic Syndromes, Hereditary. Identifiers: Orphanet 140162, MedGen C0027672, MeSH D009386, MONDO:0015356.

Allele frequency attached by ClinVar (database versions not stated): gnomAD exomes below 0.00001.
gnomAD v4.1: 6 of 1,613,680 alleles (0.00037%); highest among the groups gnomAD compares: Non-Finnish European, 0.00051%; no homozygotes.

Submissions (4):

Ambry Genetics
Classification: Uncertain significance for Hereditary cancer-predisposing syndrome. Last evaluated: 2025-12-05. Review status: criteria provided, single submitter. Criteria: Ambry Variant Classification Scheme 2023. Collection method: clinical testing. Allele origin: germline.
Comment: The p.S530P variant (also known as c.1588T>C), located in coding exon 11 of the NBN gene, results from a T to C substitution at nucleotide position 1588. The serine at codon 530 is replaced by proline, an amino acid with similar properties. This amino acid position is conserved. In addition, this alteration is predicted to be tolerated by in silico analysis. Since supporting evidence is limited at this time, the clinical significance of this alteration remains unclear.

Labcorp Genetics (formerly Invitae), Labcorp
Classification: Uncertain significance for Microcephaly, normal intelligence and immunodeficiency. Last evaluated: 2024-09-17. Review status: criteria provided, single submitter. Criteria: Invitae Variant Classification Sherloc (09022015). Collection method: clinical testing. Allele origin: germline.
Comment: This sequence change replaces serine, which is neutral and polar, with proline, which is neutral and non-polar, at codon 530 of the NBN protein (p.Ser530Pro). This variant is not present in population databases (gnomAD no frequency). This variant has not been reported in the literature in individuals affected with NBN-related conditions. ClinVar contains an entry for this variant (Variation ID: 439222). An algorithm developed to predict the effect of missense changes on protein structure and function outputs the following: PolyPhen-2: "Benign". The proline amino acid residue is found in multiple mammalian species, which suggests that this missense change does not adversely affect protein function. In summary, the available evidence is currently insufficient to determine the role of this variant in disease. Therefore, it has been classified as a Variant of Uncertain Significance.

Genome-Nilou Lab
Classification: Uncertain significance for Microcephaly, normal intelligence and immunodeficiency. Last evaluated: 2021-11-07. Review status: criteria provided, single submitter. Criteria: ACMG Guidelines, 2015. Collection method: clinical testing. Allele origin: germline. Affected: no.

Quest Diagnostics Nichols Institute San Juan Capistrano
Classification: Uncertain significance. Last evaluated: 2017-03-16. Review status: criteria provided, single submitter. Criteria: Quest Diagnostics criteria. Collection method: clinical testing. Allele origin: germline.

NM_002485.5(NBN):c.1588T>C (p.Ser530Pro)

Gene: NBN (nibrin; minus strand). Cytogenetic location: 8q21.3.
Variant type: single nucleotide variant.
Coding change: c.1588T>C on transcript NM_002485.5 (MANE Select); coding-DNA position 1588, T replaced by C.
Protein change: p.Ser530Pro; replaces serine 530 with proline.
Molecular consequence: missense variant.
Genome position (GRCh38, 1-based): chr8:89,953,501, A>G on the plus strand (T>C on the coding strand, the complement: NBN is on the minus strand). VCF-style: chr8-89953501-A-G. GRCh37 (hg19) VCF-style: chr8-90965729-A-G.
Other names: c.1342T>C, p.Ser448Pro (NM_001024688.3); short protein forms S530P, S448P.
Identifiers: ClinVar variation 439222 (VCV000439222.16), dbSNP rs1554558401, ClinGen allele CA371655530.